The following is an entry in ClinVar:

ClinVar aggregate classification (germline): Uncertain significance (1 of 4 stars; one submission).

gnomAD v4.1: 3 of 1,613,934 alleles (0.00019%); highest among the groups gnomAD compares: East Asian, 0.0045%; no homozygotes.

Submission:

Labcorp Genetics (formerly Invitae), Labcorp
Classification: Uncertain significance. Last evaluated: 2024-02-16. Review status: criteria provided, single submitter. Criteria: Invitae Variant Classification Sherloc (09022015). Collection method: clinical testing. Allele origin: germline.
Comment: This sequence change replaces aspartic acid, which is acidic and polar, with glycine, which is neutral and non-polar, at codon 259 of the SRP72 protein (p.Asp259Gly). This variant is present in population databases (no rsID available, gnomAD 0.06%). This variant has not been reported in the literature in individuals affected with SRP72-related conditions. Advanced modeling of protein sequence and biophysical properties (such as structural, functional, and spatial information, amino acid conservation, physicochemical variation, residue mobility, and thermodynamic stability) performed at Invitae indicates that this missense variant is expected to disrupt SRP72 protein function with a positive predictive value of 80%. In summary, the available evidence is currently insufficient to determine the role of this variant in disease. Therefore, it has been classified as a Variant of Uncertain Significance.

NM_006947.4(SRP72):c.776A>G (p.Asp259Gly)

Gene: SRP72 (signal recognition particle 72; plus strand). Cytogenetic location: 4q12.
Variant type: single nucleotide variant.
Coding change: c.776A>G on transcript NM_006947.4 (MANE Select); coding-DNA position 776, A replaced by G.
Protein change: p.Asp259Gly; replaces aspartic acid 259 with glycine.
Molecular consequence: missense variant. On other transcripts: non-coding transcript variant (1), intron variant (1).
Genome position (GRCh38, 1-based): chr4:56,478,600, A>G. VCF-style: chr4-56478600-A-G. GRCh37 (hg19) VCF-style: chr4-57344766-A-G.
Other names: c.642+1898A>G (NM_001267722.2); short protein forms D259G.
Identifiers: ClinVar variation 3684428 (VCV003684428.2).
Genomic context (GRCh38, chr4:56,478,600, plus strand): 5'-GGGGTTCTTTTTAAAGGTTTGTTTGGTTTTGACTGTTGCTTGTTGTTCACAGACCAACAG[A>G]TGTGGGATTACTAGCTGTAATTGCAAATAACATCATTACCATTAACAAGGTATGGAGTAT-3'
Protein context (NP_008878.3, residues 249-269): YNQIIKLKPT[Asp259Gly]VGLLAVIANN